The following is an entry in ClinVar:

ClinVar aggregate classification (germline): Benign/Likely benign. Review status: criteria provided, multiple submitters, no conflicts (2 of 4 stars). 3 submissions from 3 submitters: Benign (1); Likely benign (1). 1 of the submissions does not count toward it. Last evaluated 2025-05-01.

Conditions:
CHAMP1-related disorder. Also called: CHAMP1-related condition.

Allele frequency attached by ClinVar (database versions not stated): gnomAD exomes 0.00142 and 0.00344; gnomAD 0.00282 and 0.00302; ExAC 0.00329; TOPMed 0.00027; 1000 Genomes Project 30x 0.00031; ESP Exome Variant Server 0.00038; 1000 Genomes Project 0.00040.
gnomAD v4.1: 2,535 of 1,614,080 alleles (0.16%); highest among the groups gnomAD compares: Non-Finnish European, 0.048%; 33 homozygotes.

Submissions (3):

CeGaT Center for Human Genetics Tuebingen
Classification: Likely benign. Last evaluated: 2025-05-01. Review status: criteria provided, single submitter. Criteria: CeGaT Center For Human Genetics Tuebingen Variant Classification Criteria Version 2. Collection method: clinical testing. Allele origin: germline. Affected: yes. Observed: 3 variant alleles.
Comment: CHAMP1: BP4, BP7

Labcorp Genetics (formerly Invitae), Labcorp
Classification: Benign. Last evaluated: 2019-12-31. Review status: criteria provided, single submitter. Criteria: Invitae Variant Classification Sherloc (09022015). Collection method: clinical testing. Allele origin: germline.

PreventionGenetics, part of Exact Sciences
Classification: Benign for CHAMP1-related condition. Last evaluated: 2019-09-18. Review status: no assertion criteria provided. Collection method: clinical testing. Allele origin: germline. Not counted in ClinVar's aggregate classification.
Comment: This variant is classified as benign based on ACMG/AMP sequence variant interpretation guidelines (Richards et al. 2015 PMID: 25741868, with internal and published modifications).

NM_032436.4(CHAMP1):c.2025T>C (p.Ser675=)

Gene: CHAMP1 (chromosome alignment maintaining phosphoprotein 1; plus strand). Cytogenetic location: 13q34.
Variant type: single nucleotide variant.
Coding change: c.2025T>C on transcript NM_032436.4 (MANE Select); coding-DNA position 2025, T replaced by C.
Protein change: p.Ser675=; no amino-acid change (serine 675 retained).
Molecular consequence: synonymous variant.
Genome position (GRCh38, 1-based): chr13:114,325,867, T>C. VCF-style: chr13-114325867-T-C. GRCh37 (hg19) VCF-style: chr13-115091342-T-C.
Other names: c.2025T>C, p.Ser675= (NM_001164144.3, NM_001164145.3); c.2025T>C (NM_001164145.2).
Identifiers: ClinVar variation 762446 (VCV000762446.27), dbSNP rs186679023, ClinGen allele CA7070937.
Genomic context (GRCh38, chr13:114,325,867, plus strand): 5'-AGAGCAGGTTGATGTGGAATCCATTGATTTTAGCAAAGAGAACAAAATGGACATGACTAG[T>C]CCAGAGCAGTCTAGAAATGTGCTACAGTTTACTGAAGAAAAAGAAGCTTTTATCTCTGAA-3'
Protein context (NP_115812.1, residues 665-685): FSKENKMDMT[Ser675=]PEQSRNVLQF